The following is an entry in ClinVar:

NM_001382241.1(TNPO2):c.2464C>T (p.Arg822Cys)

Genes: TNPO2 (transportin 2; minus strand), LOC126862859 (CDK7 strongly-dependent group 2 enhancer GRCh37_chr19:12811952-12813151; plus strand). Cytogenetic location: 19p13.13.
Variant type: single nucleotide variant.
Coding change: c.2464C>T on transcript NM_001382241.1 (MANE Select); coding-DNA position 2464, C replaced by T.
Protein change: p.Arg822Cys; replaces arginine 822 with cysteine.
Molecular consequence: missense variant. On other transcripts: non-coding transcript variant (6).
Genome position (GRCh38, 1-based): chr19:12,701,799, G>A on the plus strand (C>T on the coding strand, the complement: TNPO2 is on the minus strand). VCF-style: chr19-12701799-G-A. GRCh37 (hg19) VCF-style: chr19-12812613-G-A.
Other names: c.2434C>T, p.Arg812Cys (NM_001136195.2, NM_001382236.1, NM_001382237.1 and 3 more transcripts); c.2464C>T, p.Arg822Cys (NM_001136196.2, NM_001382240.1, NM_001382242.1); c.2428C>T, p.Arg810Cys (NM_001382243.1); short protein forms R810C, R812C, R822C.
Identifiers: ClinVar variation 3345870 (VCV003345870.1).

ClinVar aggregate classification (germline): Likely benign (0 of 4 stars; one submission).

Conditions:
TNPO2-related disorder. Also called: TNPO2-related condition.

gnomAD v4.1: 18 of 1,613,756 alleles (0.0011%); highest among the groups gnomAD compares: East Asian, 0.0022%; no homozygotes.

Submission:

PreventionGenetics, part of Exact Sciences
Classification: Likely benign for TNPO2-related condition. Last evaluated: 2024-08-28. Review status: no assertion criteria provided. Collection method: clinical testing. Allele origin: germline.
Comment: This variant is classified as likely benign based on ACMG/AMP sequence variant interpretation guidelines (Richards et al. 2015 PMID: 25741868, with internal and published modifications).